The following is an entry in ClinVar:

NM_001267550.2(TTN):c.46214dup (p.Asp15406fs)

Gene: TTN (titin; minus strand). Cytogenetic location: 2q31.2.
Variant type: Duplication.
Coding change: c.46214dup on transcript NM_001267550.2 (MANE Select); coding-DNA position 46214, one base duplicated (T; older notation c.46214dupT).
Protein change: p.Asp15406fs; shifts the reading frame from aspartic acid 15406.
Molecular consequence: frameshift variant.
Genome position (GRCh38, 1-based): chr2:178,620,307, A duplicated on the plus strand (T on the coding strand, the reverse complement: TTN is on the minus strand); the first of 2 consecutive A bases (chr2:178,620,307-178,620,308); duplicating either gives the same sequence. VCF-style (leftmost placement, unchanged base first): chr2-178620306-G-GA. GRCh37 (hg19) VCF-style: chr2-179485033-G-GA.
Other names: c.41291dup, p.Asp13765fs (NM_001256850.1); c.19019dup, p.Asp6341fs (NM_003319.4); c.38510dup, p.Asp12838fs (NM_133378.4); c.19394dup, p.Asp6466fs (NM_133432.3); c.19595dup, p.Asp6533fs (NM_133437.4); short protein forms D12838fs, D13765fs, D15406fs, D6341fs, D6466fs, D6533fs.
Identifiers: ClinVar variation 3754395 (VCV003754395.2).

ClinVar aggregate classification (germline): Likely pathogenic (1 of 4 stars; one submission).

Conditions:
Autosomal recessive limb-girdle muscular dystrophy type 2J (LGMDR10). Also called: Limb-girdle muscular dystrophy, type 2J; MUSCULAR DYSTROPHY, LIMB-GIRDLE, AUTOSOMAL RECESSIVE 10. Identifiers: Orphanet 140922, MedGen C1837342, MONDO:0012127, OMIM 608807.
Dilated cardiomyopathy 1G (CMD1G). Identifiers: Orphanet 154, MedGen C1858763, MONDO:0011400, OMIM 604145.

Submission:

Labcorp Genetics (formerly Invitae), Labcorp
Classification: Likely pathogenic for Dilated cardiomyopathy 1G; Autosomal recessive limb-girdle muscular dystrophy type 2J. Last evaluated: 2024-02-03. Review status: criteria provided, single submitter. Criteria: Invitae Variant Classification Sherloc (09022015). Collection method: clinical testing. Allele origin: germline.
Comment: This sequence change creates a premature translational stop signal (p.Asp15406Argfs*2) in the TTN gene. While this is not anticipated to result in nonsense mediated decay, it is expected to create a truncated TTN protein. This variant is not present in population databases (gnomAD no frequency). This variant has not been reported in the literature in individuals affected with TTN-related conditions. This variant is located in the I band of TTN (PMID: 25589632). Truncating variants in this region have been reported in individuals affected with autosomal recessive centronuclear myopathy (PMID: 23975875, Invitae internal data). Truncating variants in this region have also been identified in individuals affected with autosomal dominant dilated cardiomyopathy and/or cardio-related conditions (PMID: 27869827, 32964742, Invitae internal data). In summary, the currently available evidence indicates that the variant is pathogenic, but additional data are needed to prove that conclusively. Therefore, this variant has been classified as Likely Pathogenic.

Literature cited by the submitters: PubMed 25589632; PubMed 23975875; PubMed 27869827; PubMed 32964742.